The following is an entry in ClinVar:

ClinVar aggregate classification (germline): Uncertain significance (1 of 4 stars; one submission).

Submission:

Labcorp Genetics (formerly Invitae), Labcorp
Classification: Uncertain significance. Last evaluated: 2024-04-22. Review status: criteria provided, single submitter. Criteria: Invitae Variant Classification Sherloc (09022015). Collection method: clinical testing. Allele origin: germline.
Comment: This sequence change replaces glutamic acid, which is acidic and polar, with alanine, which is neutral and non-polar, at codon 137 of the MMP14 protein (p.Glu137Ala). This variant is not present in population databases (gnomAD no frequency). This variant has not been reported in the literature in individuals affected with MMP14-related conditions. Advanced modeling of protein sequence and biophysical properties (such as structural, functional, and spatial information, amino acid conservation, physicochemical variation, residue mobility, and thermodynamic stability) performed at Invitae indicates that this missense variant is not expected to disrupt MMP14 protein function with a negative predictive value of 80%. In summary, the available evidence is currently insufficient to determine the role of this variant in disease. Therefore, it has been classified as a Variant of Uncertain Significance.

NM_004995.4(MMP14):c.410A>C (p.Glu137Ala)

Gene: MMP14 (matrix metallopeptidase 14; plus strand). Cytogenetic location: 14q11.2.
Variant type: single nucleotide variant.
Coding change: c.410A>C on transcript NM_004995.4 (MANE Select); coding-DNA position 410, A replaced by C.
Protein change: p.Glu137Ala; replaces glutamic acid 137 with alanine.
Molecular consequence: missense variant.
Genome position (GRCh38, 1-based): chr14:22,842,439, A>C. VCF-style: chr14-22842439-A-C. GRCh37 (hg19) VCF-style: chr14-23311648-A-C.
Other names: short protein forms E137A.
Identifiers: ClinVar variation 3649952 (VCV003649952.2).